The following is an entry in ClinVar:

ClinVar aggregate classification (germline): Likely benign. Review status: criteria provided, multiple submitters, no conflicts (2 of 4 stars). 3 submissions from 3 submitters: Likely benign (3). Last evaluated 2025-01-23.

Conditions:
Lynch syndrome. Identifiers: Orphanet 144, MedGen C4552100, MONDO:0005835. Disease mechanism: loss of function.
Lynch syndrome 4 (LYNCH4). Also called: Hereditary non-polyposis colorectal cancer, type 4; Colorectal cancer, hereditary nonpolyposis, type 4. Identifiers: Orphanet 144, MedGen C1838333, MONDO:0013699, OMIM 614337. Disease mechanism: loss of function.
Hereditary nonpolyposis colorectal neoplasms. Identifiers: MedGen C0009405, MeSH D003123.

Allele frequency attached by ClinVar (database versions not stated): TOPMed below 0.00001.

Submissions (3):

Myriad Genetics, Inc.
Classification: Likely benign for Lynch syndrome 4. Last evaluated: 2025-01-23. Review status: criteria provided, single submitter. Criteria: Myriad Autosomal Dominant, Autosomal Recessive and X-Linked Classification Criteria (2023). Collection method: clinical testing. Allele origin: unknown.
Comment: This variant is considered likely benign. This variant is intronic and is not expected to impact mRNA splicing.

Labcorp Genetics (formerly Invitae), Labcorp
Classification: Likely benign for Hereditary nonpolyposis colorectal neoplasms. Last evaluated: 2024-11-21. Review status: criteria provided, single submitter. Criteria: Invitae Variant Classification Sherloc (09022015). Collection method: clinical testing. Allele origin: germline.

All of Us Research Program, National Institutes of Health
Classification: Likely benign for Lynch syndrome. Last evaluated: 2023-09-17. Review status: criteria provided, single submitter. Criteria: ACMG Guidelines, 2015. Collection method: clinical testing. Allele origin: germline. Inheritance: Autosomal dominant inheritance. Observed: 1 variant allele, 1 heterozygote.
Comment: This study involves interpretation of variants in research participants for the purpose of population health screening. Participant phenotype was not available at the time of variant classification. Additional details can be found in publication PMID: 35346344, PMCID: PMC8962531

NM_000535.7(PMS2):c.164-6T>C

Gene: PMS2 (PMS1 homolog 2, mismatch repair system component; minus strand). Cytogenetic location: 7p22.1.
Variant type: single nucleotide variant.
Coding change: c.164-6T>C on transcript NM_000535.7 (MANE Select); 6 bases into the intron before coding-DNA position 164, T replaced by C.
Molecular consequence: intron variant.
Genome position (GRCh38, 1-based): chr7:6,004,064, A>G on the plus strand (T>C on the coding strand, the complement: PMS2 is on the minus strand). VCF-style: chr7-6004064-A-G. GRCh37 (hg19) VCF-style: chr7-6043695-A-G.
Other names: c.-52-6T>C (NM_001322008.2, NM_001322007.2); c.-242-6T>C (NM_001322010.2, NM_001322004.2, NM_001322013.2 and 3 more transcripts); c.-721-6T>C (NM_001322012.2, NM_001322011.2); c.-321-6T>C (NM_001322015.2); c.164-6T>C (NM_001322006.2, NM_001322014.2).
Identifiers: ClinVar variation 416558 (VCV000416558.12), dbSNP rs1060504837, ClinGen allele CA16612154.